The following is an entry in ClinVar:

ClinVar aggregate classification (germline): Uncertain significance (1 of 4 stars; one submission).

gnomAD v4.1: 1 of 1,211,304 alleles (0.000083%); highest among the groups gnomAD compares: South Asian, 0.0018%; no homozygotes.

Submissions (2):

Women's Health and Genetics/Laboratory Corporation of America, LabCorp
Classification: Uncertain significance. Last evaluated: 2024-09-26. Review status: criteria provided, single submitter. Criteria: LabCorp Variant Classification Summary - May 2015. Collection method: clinical testing. Allele origin: germline.
Comment: Variant summary: DLG3 c.1096C>A (p.Arg366Ser) results in a non-conservative amino acid change located in the Disks large homolog 1-4, PDZ-associated domain (IPR019583) of the encoded protein sequence. Three of five in-silico tools predict a benign effect of the variant on protein function. The variant was absent in 182695 control chromosomes. The available data on variant occurrences in the general population are insufficient to allow any conclusion about variant significance. To our knowledge, no occurrence of c.1096C>A in individuals affected with Intellectual Disability, X-Linked 90 and no experimental evidence demonstrating its impact on protein function have been reported. No submitters have cited clinical-significance assessments for this variant to ClinVar. Based on the evidence outlined above, the variant was classified as uncertain significance.

Dr. Peter K. Rogan Lab, Western University
No classification provided (evidence only). Condition: Thyroid cancer, nonmedullary, 1. Review status: no classification provided. Collection method: in vitro. Allele origin: not applicable. Functional consequence: retained intron. Not counted in ClinVar's aggregate classification.

NM_021120.4(DLG3):c.1096C>A (p.Arg366Ser)

Gene: DLG3 (discs large MAGUK scaffold protein 3; plus strand). Cytogenetic location: Xq13.1.
Variant type: single nucleotide variant.
Coding change: c.1096C>A on transcript NM_021120.4 (MANE Select); coding-DNA position 1096, C replaced by A.
Protein change: p.Arg366Ser; replaces arginine 366 with serine.
Molecular consequence: missense variant.
Genome position (GRCh38, 1-based): chrX:70,451,977, C>A. VCF-style: chrX-70451977-C-A. GRCh37 (hg19) VCF-style: chrX-69671827-C-A.
Other names: NC_000023.10:g.69671827C>A; short protein forms R366S.
Identifiers: ClinVar variation 3375193 (VCV003375193.2).